The following is an entry in ClinVar:

NM_001386140.1(MTTP):c.1159A>G (p.Ile387Val)

Gene: MTTP (microsomal triglyceride transfer protein; plus strand). Cytogenetic location: 4q23.
Variant type: single nucleotide variant.
Coding change: c.1159A>G on transcript NM_001386140.1 (MANE Select); coding-DNA position 1159, A replaced by G.
Protein change: p.Ile387Val; replaces isoleucine 387 with valine.
Molecular consequence: missense variant.
Genome position (GRCh38, 1-based): chr4:99,600,656, A>G. VCF-style: chr4-99600656-A-G. GRCh37 (hg19) VCF-style: chr4-100521813-A-G.
Other names: c.1159A>G, p.Ile387Val (NM_000253.4); c.910A>G, p.Ile304Val (NM_001300785.2); short protein forms I304V, I387V.
Identifiers: ClinVar variation 2120342 (VCV002120342.4), dbSNP rs1560621053, ClinGen allele CA357508316.

ClinVar aggregate classification (germline): Uncertain significance (1 of 4 stars; one submission).

gnomAD v4.1: 1 of 1,613,882 alleles (0.000062%); highest among the groups gnomAD compares: East Asian, 0.0022%; no homozygotes.

Submission:

Labcorp Genetics (formerly Invitae), Labcorp
Classification: Uncertain significance. Last evaluated: 2022-07-16. Review status: criteria provided, single submitter. Criteria: Invitae Variant Classification Sherloc (09022015). Collection method: clinical testing. Allele origin: germline.
Comment: Algorithms developed to predict the effect of missense changes on protein structure and function output the following: SIFT: "Tolerated"; PolyPhen-2: "Benign"; Align-GVGD: "Class C0". The valine amino acid residue is found in multiple mammalian species, which suggests that this missense change does not adversely affect protein function. This variant has not been reported in the literature in individuals affected with MTTP-related conditions. This variant is not present in population databases (gnomAD no frequency). This sequence change replaces isoleucine, which is neutral and non-polar, with valine, which is neutral and non-polar, at codon 387 of the MTTP protein (p.Ile387Val). In summary, the available evidence is currently insufficient to determine the role of this variant in disease. Therefore, it has been classified as a Variant of Uncertain Significance.